The following is an entry in ClinVar:

NM_177438.3(DICER1):c.5221_5232del (p.Asn1741_Ile1744del)

Gene: DICER1 (dicer 1, ribonuclease III; minus strand). Cytogenetic location: 14q32.13.
Variant type: Deletion.
Coding change: c.5221_5232del on transcript NM_177438.3 (MANE Select); coding-DNA positions 5221 to 5232, 12 bases deleted (AACAACACCATC).
Protein change: p.Asn1741_Ile1744del.
Molecular consequence: inframe deletion.
Genome position (GRCh38, 1-based): chr14:95,094,020-95,094,031, GATGGTGTTGTT deleted on the plus strand (AACAACACCATC on the coding strand, the reverse complement: DICER1 is on the minus strand); deleting any 12 consecutive bases within chr14:95,094,020-95,094,033 gives the same sequence; the c. name uses the placement nearest the transcript's 3' end. VCF-style (leftmost placement, unchanged base first): chr14-95094019-AGATGGTGTTGTT-A. GRCh37 (hg19) VCF-style: chr14-95560356-AGATGGTGTTGTT-A.
Other names: c.5221_5232del, p.Asn1741_Ile1744del (NM_001195573.1, NM_001271282.3, NM_001291628.2 and 1 more transcripts).
Identifiers: ClinVar variation 933038 (VCV000933038.3), dbSNP rs1890082420, ClinGen allele CA1139663691.

ClinVar aggregate classification (germline): Likely pathogenic (1 of 4 stars; one submission).

Conditions:
DICER1-related tumor predisposition. Also called: DICER1-related pleuropulmonary blastoma cancer predisposition syndrome; DICER1 syndrome. Identifiers: Orphanet 284343, MedGen C3839822, MONDO:0100216.

Submission:

Foulkes Cancer Genetics LDI, Lady Davis Institute for Medical Research
Classification: Likely pathogenic for Pleuropulmonary blastoma. Last evaluated: 2019-07-01. Review status: criteria provided, single submitter. Criteria: ACMG Guidelines, 2015. Collection method: curation. Allele origin: germline. Affected: yes. Observed: 2 variant alleles.
Comment: ACMG criteria met: PM2, PM4, PP4

Literature cited by the submitters: PubMed 24628552.